The following is an entry in ClinVar:

ClinVar aggregate classification (germline): Likely pathogenic (1 of 4 stars; one submission).

Submission:

Labcorp Genetics (formerly Invitae), Labcorp
Classification: Likely pathogenic. Last evaluated: 2025-01-13. Review status: criteria provided, single submitter. Criteria: Invitae Variant Classification Sherloc (09022015). Collection method: clinical testing. Allele origin: germline.
Comment: This sequence change affects an acceptor splice site in intron 14 of the SNX14 gene. It is expected to disrupt RNA splicing. Variants that disrupt the donor or acceptor splice site typically lead to a loss of protein function (PMID: 16199547), and loss-of-function variants in SNX14 are known to be pathogenic (PMID: 25439728, 25848753). This variant is not present in population databases (gnomAD no frequency). This variant has not been reported in the literature in individuals affected with SNX14-related conditions. Algorithms developed to predict the effect of sequence changes on RNA splicing suggest that this variant may disrupt the consensus splice site. In summary, the currently available evidence indicates that the variant is pathogenic, but additional data are needed to prove that conclusively. Therefore, this variant has been classified as Likely Pathogenic.

Literature cited by the submitters: PubMed 16199547; PubMed 25439728; PubMed 25848753.

NM_153816.6(SNX14):c.1390-1G>C

Gene: SNX14 (sorting nexin 14; minus strand). Cytogenetic location: 6q14.3.
Variant type: single nucleotide variant.
Coding change: c.1390-1G>C on transcript NM_153816.6 (MANE Select); the canonical splice acceptor site of the intron before coding-DNA position 1390, G replaced by C.
Molecular consequence: splice acceptor variant.
Genome position (GRCh38, 1-based): chr6:85,542,044, C>G on the plus strand (G>C on the coding strand, the complement: SNX14 is on the minus strand). VCF-style: chr6-85542044-C-G. GRCh37 (hg19) VCF-style: chr6-86251762-C-G.
Other names: c.1099-1G>C (NM_001350543.2); c.1231-1G>C (NM_001350539.2); c.1102-1G>C (NM_001350542.2); c.946-1G>C (NM_001350546.2, NM_001350545.2); c.340-1G>C (NM_001350547.2); c.1090-1G>C (NM_001350544.2); c.235-1G>C (NM_001350553.2, NM_001350549.2, NM_001350548.2 and 3 more transcripts); c.1234-1G>C (NM_001304479.2); and 6 more.
Identifiers: ClinVar variation 3728929 (VCV003728929.2).
Genomic context (GRCh38, chr6:85,542,044, plus strand): 5'-CCTGTTCAATTTTGAATTGCGTGTTGGTGATTCTGCACCTCTTAAAAGTTGTCTGAAATA[C>G]TTTAAAATAACAAATAATAATTATCATTTATTACACTTACAATTAACATTAAAACATGTT-3'